The following is an entry in ClinVar:

NM_002878.4(RAD51D):c.201T>C (p.Asn67=)

Genes: RAD51L3-RFFL (RAD51L3-RFFL readthrough; minus strand), RAD51D (RAD51 paralog D; minus strand). Cytogenetic location: 17q12.
Variant type: single nucleotide variant.
Coding change: c.201T>C on transcript NM_002878.4 (MANE Select); coding-DNA position 201, T replaced by C.
Protein change: p.Asn67=; no amino-acid change (asparagine 67 retained).
Molecular consequence: synonymous variant. On other transcripts: intron variant (2).
Genome position (GRCh38, 1-based): chr17:35,118,563, A>G on the plus strand (T>C on the coding strand, the complement: RAD51D is on the minus strand). VCF-style: chr17-35118563-A-G. GRCh37 (hg19) VCF-style: chr17-33445582-A-G.
Other names: c.144+548T>C (NM_133629.3, NM_001142571.2).
Identifiers: ClinVar variation 3903572 (VCV003903572.1).
Genomic context (GRCh38, chr17:35,118,563, plus strand): 5'-GCCAATGCCAGTGGACAGGATGGCAGTGGAGGTCTTCAGTTCCTCGTAGAGATCAGCGCC[A>G]TTCACGGGGAAAGCCGAGAACTGAGCCAGCAGCACCCGCCTCAGGGCAACCAGGGCCTGC-3'
Protein context (NP_002869.3, residues 57-77): LLAQFSAFPV[Asn67=]GADLYEELKT

ClinVar aggregate classification (germline): Benign (1 of 4 stars; one submission).

Conditions:
Breast-ovarian cancer, familial, susceptibility to, 4. Identifiers: Orphanet 145, MedGen C3280345, MONDO:0013669, OMIM 614291.

Submission:

Myriad Genetics, Inc.
Classification: Benign for Breast-ovarian cancer, familial, susceptibility to, 4. Last evaluated: 2025-02-20. Review status: criteria provided, single submitter. Criteria: Myriad Autosomal Dominant, Autosomal Recessive and X-Linked Classification Criteria (2023). Collection method: clinical testing. Allele origin: unknown.
Comment: This variant is considered benign. This variant is a silent/synonymous amino acid change and it is not expected to impact splicing.